The following is an entry in ClinVar:

NM_001162501.2(TNRC6B):c.3717C>T (p.Ala1239=)

Gene: TNRC6B (trinucleotide repeat containing adaptor 6B; plus strand). Cytogenetic location: 22q13.1.
Variant type: single nucleotide variant.
Coding change: c.3717C>T on transcript NM_001162501.2 (MANE Select); coding-DNA position 3717, C replaced by T.
Protein change: p.Ala1239=; no amino-acid change (alanine 1239 retained).
Molecular consequence: synonymous variant.
Genome position (GRCh38, 1-based): chr22:40,300,463, C>T. VCF-style: chr22-40300463-C-T. GRCh37 (hg19) VCF-style: chr22-40696467-C-T.
Other names: c.1305C>T, p.Ala435= (NM_001024843.2); c.3387C>T, p.Ala1129= (NM_015088.3).
Identifiers: ClinVar variation 3051414 (VCV003051414.8), dbSNP rs376775520, ClinGen allele CA10247139.

ClinVar aggregate classification (germline): Likely benign. Review status: criteria provided, single submitter (1 of 4 stars). 2 submissions from 2 submitters: Likely benign (1). 1 of the submissions does not count toward it. Last evaluated 2026-03-01.

Conditions:
TNRC6B-related disorder. Also called: TNRC6B-related condition.

Allele frequency attached by ClinVar (database versions not stated): gnomAD exomes 0.00002; ExAC 0.00012; gnomAD 0.00025; ESP Exome Variant Server 0.00026; TOPMed 0.00027; 1000 Genomes Project 30x 0.00031; 1000 Genomes Project 0.00040.
gnomAD v4.1: 61 of 1,571,654 alleles (0.0039%); highest among the groups gnomAD compares: African/African-American, 0.077%; no homozygotes.

Submissions (2):

CeGaT Center for Human Genetics Tuebingen
Classification: Likely benign. Last evaluated: 2026-03-01. Review status: criteria provided, single submitter. Criteria: CeGaT Center For Human Genetics Tuebingen Variant Classification Criteria Version 2. Collection method: clinical testing. Allele origin: germline. Affected: yes. Observed: 2 variant alleles.
Comment: TNRC6B: PM2:Supporting, BP4, BP7

PreventionGenetics, part of Exact Sciences
Classification: Likely benign for TNRC6B-related condition. Last evaluated: 2019-03-04. Review status: no assertion criteria provided. Collection method: clinical testing. Allele origin: germline. Not counted in ClinVar's aggregate classification.
Comment: This variant is classified as likely benign based on ACMG/AMP sequence variant interpretation guidelines (Richards et al. 2015 PMID: 25741868, with internal and published modifications).